The following is an entry in ClinVar:

ClinVar aggregate classification (germline): Uncertain significance (1 of 4 stars; one submission).

gnomAD v4.1: 20 of 1,613,956 alleles (0.0012%); highest among the groups gnomAD compares: South Asian, 0.0066%; no homozygotes.

Submission:

Labcorp Genetics (formerly Invitae), Labcorp
Classification: Uncertain significance. Last evaluated: 2023-12-14. Review status: criteria provided, single submitter. Criteria: Invitae Variant Classification Sherloc (09022015). Collection method: clinical testing. Allele origin: germline.
Comment: This sequence change replaces aspartic acid, which is acidic and polar, with histidine, which is basic and polar, at codon 643 of the COL10A1 protein (p.Asp643His). This variant is present in population databases (rs201121404, gnomAD 0.01%). This variant has not been reported in the literature in individuals affected with COL10A1-related conditions. Advanced modeling of protein sequence and biophysical properties (such as structural, functional, and spatial information, amino acid conservation, physicochemical variation, residue mobility, and thermodynamic stability) performed at Invitae indicates that this missense variant is not expected to disrupt COL10A1 protein function with a negative predictive value of 80%. In summary, the available evidence is currently insufficient to determine the role of this variant in disease. Therefore, it has been classified as a Variant of Uncertain Significance.

NM_000493.4(COL10A1):c.1927G>C (p.Asp643His)

Genes: COL10A1 (collagen type X alpha 1 chain; minus strand), NT5DC1 (5'-nucleotidase domain containing 1; plus strand). Cytogenetic location: 6q22.1.
Variant type: single nucleotide variant.
Coding change: c.1927G>C on transcript NM_000493.4 (MANE Select); coding-DNA position 1927, G replaced by C.
Protein change: p.Asp643His; replaces aspartic acid 643 with histidine.
Molecular consequence: missense variant. On other transcripts: intron variant (1).
Genome position (GRCh38, 1-based): chr6:116,120,189, C>G on the plus strand (G>C on the coding strand, the complement: COL10A1 is on the minus strand). VCF-style: chr6-116120189-C-G. GRCh37 (hg19) VCF-style: chr6-116441352-C-G.
Other names: c.1927G>C, p.Asp643His (NM_001424106.1, NM_001424107.1); c.529+2244C>G (NM_152729.3); short protein forms D643H.
Identifiers: ClinVar variation 2970299 (VCV002970299.3), dbSNP rs201121404, ClinGen allele CA3968092.
Genomic context (GRCh38, chr6:116,120,189, plus strand): 5'-ATAGGCCATTTGACTCGGCATTGGGAAGCTGGAGCCACACCTGGTCATTTTCTGTGAGAT[C>G]GATGATGGCACTCCCTGAAGCCTGATCCAGGTAGCCTTTGGTGTATTCATCATAGGTGTA-3'
Protein context (NP_000484.2, residues 633-653): LDQASGSAII[Asp643His]LTENDQVWLQ